The following is an entry in ClinVar:

ClinVar aggregate classification (germline): Uncertain significance (1 of 4 stars; one submission).

Conditions:
TTN-related disorder. Also called: TTN-related condition; TTN-related disease; TTN-related disorders.

gnomAD v4.1: 7 of 1,612,258 alleles (0.00043%); highest among the groups gnomAD compares: African/African-American, 0.0094%; no homozygotes.

Submission:

PreventionGenetics, part of Exact Sciences
Classification: Uncertain significance for TTN-related condition. Last evaluated: 2026-06-02. Review status: criteria provided, single submitter. Criteria: ACMG Guidelines, 2015. Collection method: clinical testing. Allele origin: germline.
Comment: The TTN c.51461T>C variant is predicted to result in the amino acid substitution p.Val17154Ala. To our knowledge, this variant has not been reported in the literature. This variant is reported in 0.025% of alleles in individuals of African descent in gnomAD. At this time, the clinical significance of this variant is uncertain due to the absence of conclusive functional and genetic evidence.

NM_001267550.2(TTN):c.51461T>C (p.Val17154Ala)

Genes: TTN (titin; minus strand), TTN-AS1 (TTN antisense RNA 1; plus strand). Cytogenetic location: 2q31.2.
Variant type: single nucleotide variant.
Coding change: c.51461T>C on transcript NM_001267550.2 (MANE Select); coding-DNA position 51461, T replaced by C.
Protein change: p.Val17154Ala; replaces valine 17154 with alanine.
Molecular consequence: missense variant.
Genome position (GRCh38, 1-based): chr2:178,609,962, A>G on the plus strand (T>C on the coding strand, the complement: TTN is on the minus strand). VCF-style: chr2-178609962-A-G. GRCh37 (hg19) VCF-style: chr2-179474689-A-G.
Other names: c.46538T>C, p.Val15513Ala (NM_001256850.1); c.24266T>C, p.Val8089Ala (NM_003319.4); c.43757T>C, p.Val14586Ala (NM_133378.4); c.24641T>C, p.Val8214Ala (NM_133432.3); c.24842T>C, p.Val8281Ala (NM_133437.4); short protein forms V15513A, V17154A, V14586A, V8214A, V8281A, V8089A.
Identifiers: ClinVar variation 4977121 (VCV004977121.1).
Genomic context (GRCh38, chr2:178,609,962, plus strand): 5'-TCATACAAAGGTGGCTTCCATGTAATAGTCATTGCCTCCGCTGTAGGATTATGAACCTCT[A>G]CATCTACAGGTGGATCAGGGGGTTCTGAAGAACAAGAAAAAAATGTTAGTATCAGGAAAA-3'
Protein context (NP_001254479.2, residues 17144-17164): PKQPPDPPVD[Val17154Ala]EVHNPTAEAM